The following is an entry in ClinVar:

NM_003954.5(MAP3K14):c.546G>A (p.Glu182=)

Gene: MAP3K14 (mitogen-activated protein kinase kinase kinase 14; minus strand). Cytogenetic location: 17q21.31.
Variant type: single nucleotide variant.
Coding change: c.546G>A on transcript NM_003954.5 (MANE Select); coding-DNA position 546, G replaced by A.
Protein change: p.Glu182=; no amino-acid change (glutamic acid 182 retained).
Molecular consequence: synonymous variant.
Genome position (GRCh38, 1-based): chr17:45,287,037, C>T on the plus strand (G>A on the coding strand, the complement: MAP3K14 is on the minus strand). VCF-style: chr17-45287037-C-T. GRCh37 (hg19) VCF-style: chr17-43364403-C-T.
Identifiers: ClinVar variation 2863717 (VCV002863717.4), dbSNP rs753877023, ClinGen allele CA8614317.

ClinVar aggregate classification (germline): Likely benign. Review status: criteria provided, multiple submitters, no conflicts (2 of 4 stars). 2 submissions from 2 submitters: Likely benign (2). Last evaluated 2026-04-08.

Conditions:
NIK deficiency. Also called: Primary immunodeficiency with multifaceted aberrant lymphoid immunity. Identifiers: Orphanet 447731, MedGen C5680065, MONDO:0018642.

Allele frequency attached by ClinVar (database versions not stated): gnomAD exomes 0.00001; TOPMed 0.00001; ExAC 0.00001; gnomAD 0.00001.

Submissions (2):

Women's Health and Genetics/Laboratory Corporation of America, LabCorp
Classification: Likely benign. Last evaluated: 2026-04-08. Review status: criteria provided, single submitter. Criteria: LabCorp Variant Classification Summary - May 2015. Collection method: clinical testing. Allele origin: germline.
Comment: Variant summary: MAP3K14 c.546G>A alters a conserved nucleotide resulting in a synonymous change. Consensus agreement among computation tools predict no significant impact on normal splicing. However, these predictions have yet to be confirmed by functional studies. The variant allele was found at a frequency of 8.2e-06 in 244552 control chromosomes. The available data on variant occurrences in the general population are insufficient to allow any conclusion about variant significance. To our knowledge, no occurrence of c.546G>A in individuals affected with MAP3K14-related conditions and no experimental evidence demonstrating its impact on protein function have been reported. ClinVar contains an entry for this variant (Variation ID: 2863717). Based on the evidence outlined above, the variant was classified as likely benign.

Labcorp Genetics (formerly Invitae), Labcorp
Classification: Likely benign for NIK deficiency. Last evaluated: 2025-11-09. Review status: criteria provided, single submitter. Criteria: Invitae Variant Classification Sherloc (09022015). Collection method: clinical testing. Allele origin: germline.